The following is an entry in ClinVar:

ClinVar aggregate classification (germline): Benign (1 of 4 stars; one submission).

Allele frequency attached by ClinVar (database versions not stated): 1000 Genomes Project 30x 0.55965; 1000 Genomes Project 0.56190; TOPMed 0.62063.
gnomAD v4.1: 975,019 of 1,326,004 alleles (74%); highest among the groups gnomAD compares: Non-Finnish European, 78%; 365,802 homozygotes.

Submission:

Unidad de Genómica Garrahan, Hospital de Pediatría Garrahan
Classification: Benign. Last evaluated: 2024-01-24. Review status: criteria provided, single submitter. Criteria: ACMG Guidelines, 2015. Collection method: clinical testing. Allele origin: germline. Affected: no. Observed: 81 variant alleles.
Comment: This variant is classified as Benign based on local population frequency. This variant was detected in 85% of patients studied by a panel of primary immunodeficiencies. Number of patients: 81. Only high quality variants are reported.

NM_133372.3(FNIP1):c.3108+74T>C

Gene: FNIP1 (folliculin interacting protein 1; minus strand). Cytogenetic location: 5q31.1.
Variant type: single nucleotide variant.
Coding change: c.3108+74T>C on transcript NM_133372.3 (MANE Select); 74 bases into the intron after coding-DNA position 3108, T replaced by C.
Molecular consequence: intron variant.
Genome position (GRCh38, 1-based): chr5:131,670,389, A>G on the plus strand (T>C on the coding strand, the complement: FNIP1 is on the minus strand). VCF-style: chr5-131670389-A-G. GRCh37 (hg19) VCF-style: chr5-131006082-A-G.
Other names: c.2973+74T>C (NM_001346114.2); c.3024+74T>C (NM_001008738.3).
Identifiers: ClinVar variation 2687969 (VCV002687969.2), dbSNP rs27450, ClinGen allele CA11943586.
Genomic context (GRCh38, chr5:131,670,389, plus strand): 5'-GAATATAAAATGATGGATTCAGAGAACAATGATTGTGTTGTAAAAAGTATGACCAAAAAT[A>G]TAAGGCAATTTTGGGTTCTGCTGCTTAACAGAGTTTCTTCTAAATAAACTCAAAAACAGT-3'